The following is an entry in ClinVar:

ClinVar aggregate classification (germline): Uncertain significance (1 of 4 stars; one submission).

Submission:

Labcorp Genetics (formerly Invitae), Labcorp
Classification: Uncertain significance. Last evaluated: 2022-09-06. Review status: criteria provided, single submitter. Criteria: Invitae Variant Classification Sherloc (09022015). Collection method: clinical testing. Allele origin: germline.
Comment: In summary, the available evidence is currently insufficient to determine the role of this variant in disease. Therefore, it has been classified as a Variant of Uncertain Significance. Algorithms developed to predict the effect of missense changes on protein structure and function are either unavailable or do not agree on the potential impact of this missense change (SIFT: "Not Available"; PolyPhen-2: "Probably Damaging"; Align-GVGD: "Not Available"). This variant has not been reported in the literature in individuals affected with SORL1-related conditions. Information on the frequency of this variant in the gnomAD database is not available, as this variant may be reported differently in the database. This sequence change replaces glycine, which is neutral and non-polar, with leucine, which is neutral and non-polar, at codon 1440 of the SORL1 protein (p.Gly1440Leu).

NM_003105.6(SORL1):c.4318_4319delinsTT (p.Gly1440Leu)

Gene: SORL1 (sortilin related receptor 1; plus strand). Cytogenetic location: 11q24.1.
Variant type: Indel.
Coding change: c.4318_4319delinsTT on transcript NM_003105.6 (MANE Select); coding-DNA positions 4318 to 4319, GG replaced by TT.
Protein change: p.Gly1440Leu; replaces glycine 1440 with leucine.
Molecular consequence: missense variant.
Genome position (GRCh38, 1-based): chr11:121,591,105-121,591,106, GG replaced by TT. VCF-style: chr11-121591105-GG-TT. GRCh37 (hg19) VCF-style: chr11-121461814-GG-TT.
Other names: short protein forms G1440L.
Identifiers: ClinVar variation 1952550 (VCV001952550.5), dbSNP rs2496955306, ClinGen allele CA2580083721.